The following is an entry in ClinVar:

NM_000152.5(GAA):c.202G>T (p.Ala68Ser)

Gene: GAA (alpha glucosidase; plus strand). Cytogenetic location: 17q25.3.
Variant type: single nucleotide variant.
Coding change: c.202G>T on transcript NM_000152.5 (MANE Select); coding-DNA position 202, G replaced by T.
Protein change: p.Ala68Ser; replaces alanine 68 with serine.
Molecular consequence: missense variant.
Genome position (GRCh38, 1-based): chr17:80,104,788, G>T. VCF-style: chr17-80104788-G-T. GRCh37 (hg19) VCF-style: chr17-78078587-G-T.
Other names: p.Ala68Ser; c.202G>T, p.Ala68Ser (NM_001079803.3, NM_001079804.3, NM_001406741.1 and 1 more transcripts); short protein forms A68S.
Identifiers: ClinVar variation 3380522 (VCV003380522.3).

ClinVar aggregate classification (germline): Uncertain significance. Review status: criteria provided, multiple submitters, no conflicts (2 of 4 stars). 2 submissions from 2 submitters: Uncertain significance (2). Last evaluated 2024-06-02.

Conditions:
Glycogen storage disease, type II (IOPD). Also called: Pompe Disease; Glycogen storage disease type 2; Acid maltase deficiency disease; Aglucosidase alfa; Deficiency of alpha-glucosidase; Deficiency of lysosomal alpha-glucosidase. Identifiers: Orphanet 365, MedGen C0017921, MONDO:0009290, OMIM 232300.

gnomAD v4.1: 2 of 1,611,950 alleles (0.00012%); highest among the groups gnomAD compares: African/African-American, 0.0027%; no homozygotes.

Submissions (2):

Labcorp Genetics (formerly Invitae), Labcorp
Classification: Uncertain significance for Glycogen storage disease, type II. Last evaluated: 2024-06-02. Review status: criteria provided, single submitter. Criteria: Invitae Variant Classification Sherloc (09022015). Collection method: clinical testing. Allele origin: germline.
Comment: This sequence change replaces alanine, which is neutral and non-polar, with serine, which is neutral and polar, at codon 68 of the GAA protein (p.Ala68Ser). This variant is not present in population databases (gnomAD no frequency). This variant has not been reported in the literature in individuals affected with GAA-related conditions. Advanced modeling of protein sequence and biophysical properties (such as structural, functional, and spatial information, amino acid conservation, physicochemical variation, residue mobility, and thermodynamic stability) performed at Invitae indicates that this missense variant is not expected to disrupt GAA protein function with a negative predictive value of 95%. In summary, the available evidence is currently insufficient to determine the role of this variant in disease. Therefore, it has been classified as a Variant of Uncertain Significance.

Mayo Clinic Laboratories, Mayo Clinic
Classification: Uncertain significance. Last evaluated: 2023-11-01. Review status: criteria provided, single submitter. Criteria: ACMG Guidelines, 2015. Collection method: clinical testing. Allele origin: germline. Observed: 1 variant allele.
Comment: BP4, PM2_moderate